The following is an entry in ClinVar:

NM_000152.5(GAA):c.763C>T (p.Gln255Ter)

Gene: GAA (alpha glucosidase; plus strand). Cytogenetic location: 17q25.3.
Variant type: single nucleotide variant.
Coding change: c.763C>T on transcript NM_000152.5 (MANE Select); coding-DNA position 763, C replaced by T.
Protein change: p.Gln255Ter; replaces glutamine 255 with a stop codon.
Molecular consequence: nonsense.
Genome position (GRCh38, 1-based): chr17:80,107,627, C>T. VCF-style: chr17-80107627-C-T. GRCh37 (hg19) VCF-style: chr17-78081426-C-T.
Other names: c.763C>T, p.Gln255Ter (NM_001079803.3, NM_001079804.3); short protein forms Q255*.
Identifiers: ClinVar variation 984801 (VCV000984801.4), dbSNP rs2039118159, ClinGen allele CA401363371.

ClinVar aggregate classification (germline): Pathogenic. Review status: reviewed by expert panel (3 of 4 stars). 2 submissions from 2 submitters: Pathogenic (1). 1 of the submissions does not count toward it. Last evaluated 2020-06-16.

Conditions:
Glycogen storage disease, type II (IOPD). Also called: Glycogen storage disease type 2; Acid maltase deficiency disease; Aglucosidase alfa; Deficiency of alpha-glucosidase; Deficiency of lysosomal alpha-glucosidase; Glucosidase acid-1,4-alpha deficiency. Identifiers: Orphanet 365, MedGen C0017921, MONDO:0009290, OMIM 232300.

Submissions (2):

ClinGen Lysosomal Storage Disorder Variant Curation Expert Panel
Classification: Pathogenic for Glycogen storage disease, type II. Last evaluated: 2020-06-16. Review status: reviewed by expert panel. Criteria: ClinGen LSD ACMG Specifications v1. Collection method: curation. Allele origin: germline. Inheritance: Autosomal recessive inheritance.
Comment: This variant, c.763C>T (p.Gln255Ter), is a nonsense variant that is predicted to result in nonsense medicated decay and lack of gene product, meeting PVS1. The variant is absent in gnomAD v2.1.1, meeting PM2. It has been reported in trans with c.670C>T (p.Arg224Trp) in an individual with infantile-onset Pompe disease who meets the ClinGen LSD VCEP's specifications for PP4 (PMID 25026126). The in trans data from this patient was used in the assessment of p.Arg224Trp, and was not included here in order to avoid circular logic. It was also found in a heterozygote, identified by newborn screening (PMID 23430949). There is no ClinVar entry for this variant. In summary, this variant meets the criteria to be classified as pathogenic for Pompe disease. GAA-specific criteria applied, as specified by the ClinGen LSD VCEP: PVS1, PM2, PP4.

Genomenon, Inc
Classification: Likely pathogenic for Glycogen storage disease, type II. Last evaluated: 2026-07-01. Review status: criteria provided, single submitter. Criteria: Genomenon Sequence Variant Interpretation Standards - Updated. Collection method: curation. Allele origin: germline. Affected: no. Not counted in ClinVar's aggregate classification.
Comment: GAA p.Gln255Ter (c.763C>T) is a nonsense variant that introduces a premature stop codon at amino acid position 255 and is predicted to result in a truncated or absent protein product. This variant has been reported in the published literature (PMID:25026126;23430949;33073027). It is absent or not present at a significant frequency in gnomAD. In conclusion, we classify GAA p.Gln255Ter (c.763C>T) as a likely pathogenic variant.

Literature cited by the submitters: PubMed 25026126 (cited by Genomenon, Inc); PubMed 23430949 (cited by Genomenon, Inc); PubMed 33073027 (cited by Genomenon, Inc).